The following is an entry in ClinVar:

NM_001040108.2(MLH3):c.2906C>T (p.Pro969Leu)

Gene: MLH3 (mutL homolog 3; minus strand). Cytogenetic location: 14q24.3.
Variant type: single nucleotide variant.
Coding change: c.2906C>T on transcript NM_001040108.2 (MANE Select); coding-DNA position 2906, C replaced by T.
Protein change: p.Pro969Leu; replaces proline 969 with leucine.
Molecular consequence: missense variant.
Genome position (GRCh38, 1-based): chr14:75,046,750, G>A on the plus strand (C>T on the coding strand, the complement: MLH3 is on the minus strand). VCF-style: chr14-75046750-G-A. GRCh37 (hg19) VCF-style: chr14-75513453-G-A.
Other names: c.2906C>T, p.Pro969Leu (NM_014381.3); short protein forms P969L.
Identifiers: ClinVar variation 3232504 (VCV003232504.1), dbSNP rs776422424, ClinGen allele CA7275619.
Genomic context (GRCh38, chr14:75,046,750, plus strand): 5'-CTGATAAGAACATCTGAATCTTTACCGGTAACTTTAGAATTATTATAGGGCAATACCAAA[G>A]GAGTTTCTGATATCACACAGTTCTCTGTTGTATTGCTGTTAGAATGTGTTTTACTATTTT-3'
Protein context (NP_001035197.1, residues 959-979): TTENCVISET[Pro969Leu]LVLPYNNSKV

ClinVar aggregate classification (germline): Uncertain significance (1 of 4 stars; one submission).

Allele frequency attached by ClinVar (database versions not stated): ExAC 0.00001.
gnomAD v4.1: 1 of 1,614,148 alleles (0.000062%); highest among the groups gnomAD compares: South Asian, 0.0011%; no homozygotes.

Submission:

Ambry Genetics
Classification: Uncertain significance. Last evaluated: 2024-01-05. Review status: criteria provided, single submitter. Criteria: Ambry Variant Classification Scheme 2023. Collection method: clinical testing. Allele origin: germline.
Comment: The p.P969L variant (also known as c.2906C>T), located in coding exon 1 of the MLH3 gene, results from a C to T substitution at nucleotide position 2906. The proline at codon 969 is replaced by leucine, an amino acid with similar properties. This amino acid position is conserved. In addition, this alteration is predicted to be tolerated by in silico analysis. Since supporting evidence is limited at this time, the clinical significance of this alteration remains unclear.